The following is an entry in ClinVar:

NM_000045.4(ARG1):c.135_136del (p.Cys45_Asp46delinsTer)

Genes: ARG1 (arginase 1; plus strand), MED23 (mediator complex subunit 23; minus strand). Cytogenetic location: 6q23.2.
Variant type: Microsatellite.
Coding change: c.135_136del on transcript NM_000045.4 (MANE Select); coding-DNA positions 135 to 136, 2 bases deleted (TG; older notation c.135_136delTG).
Protein change: p.Cys45_Asp46delinsTer.
Molecular consequence: nonsense. On other transcripts: non-coding transcript variant (1), intron variant (2).
Genome position (GRCh38, 1-based): chr6:131,579,115-131,579,116, TG deleted; deleting any 2 consecutive bases within chr6:131,579,112-131,579,116 gives the same sequence; the c. name uses the placement nearest the transcript's 3' end. VCF-style (leftmost placement, unchanged base first): chr6-131579111-AGT-A. GRCh37 (hg19) VCF-style: chr6-131900251-AGT-A.
Other names: c.159_160del, p.Cys53_Asp54delinsTer (NM_001244438.2); c.135_136del, p.Cys45_Asp46delinsTer (NM_001369020.1); c.4078-4818_4078-4817del (NM_001270521.2); c.4096-4818_4096-4817del (NM_015979.4).
Identifiers: ClinVar variation 5003617 (VCV005003617.1).

ClinVar aggregate classification (germline): Pathogenic (1 of 4 stars; one submission).

Conditions:
Arginase deficiency. Also called: ARGININEMIA; ARG1 DEFICIENCY; Arginase 1 Deficiency. Identifiers: Orphanet 90, MedGen C0268548, MONDO:0008814, OMIM 207800.

Submission:

Myriad Genetics, Inc.
Classification: Pathogenic for Arginase deficiency. Last evaluated: 2025-12-18. Review status: criteria provided, single submitter. Criteria: Myriad Autosomal Dominant, Autosomal Recessive and X-Linked Classification Criteria (2023). Collection method: clinical testing. Allele origin: unknown.
Comment: NM_000045.3(ARG1):c.135_136delTG(C45*) is a nonsense variant classified as pathogenic in the context of argininemia. C45* has not been observed in cases with relevant disease. Relevant functional assessments of this variant are not available in the literature. C45* has not been observed in referenced population frequency databases. In summary, NM_000045.3(ARG1):c.135_136delTG(C45*) is a nonsense variant in a gene where loss of function is a known mechanism of disease and is predicted to disrupt protein function. Please note: this variant was assessed in the context of healthy population screening.